The following is an entry in ClinVar:

ClinVar aggregate classification (germline): Conflicting classifications of pathogenicity. Review status: criteria provided, conflicting classifications (1 of 4 stars). 3 submissions from 3 submitters: Uncertain significance (2); Likely benign (1). Last evaluated 2026-01-15.

Conditions:
Idiopathic Pulmonary Fibrosis. Also called: Idiopathic fibrosing alveolitis, chronic form; idiopathic fibrosing alveolitis. Identifiers: Orphanet 2032, MedGen C1800706, MeSH D054990, MONDO:0800504.
Dyskeratosis congenita, autosomal dominant 2. Identifiers: MedGen C3151443, MONDO:0013521, OMIM 613989.
Acute myeloid leukemia (AML). Also called: Acute myeloid leukemia, adult; AML adult; Acute non-lymphocytic leukemia; Acute granulocytic leukemia; Leukemia, acute myeloid, somatic; Leukemia, acute myelogenous, somatic. Identifiers: Orphanet 519, MedGen C0023467, MeSH D015470, MONDO:0018874, OMIM 601626, HP:0004808. Disease mechanism: Constitutively activated FLT3.
Pulmonary fibrosis and/or bone marrow failure, Telomere-related, 1. Also called: PULMONARY FIBROSIS AND/OR BONE MARROW FAILURE SYNDROME, TELOMERE-RELATED, 1. Identifiers: Orphanet 88, MedGen C3553617, MONDO:0013878, OMIM 614742.
Melanoma, cutaneous malignant, susceptibility to, 9. Also called: Cutaneous malignant melanoma 9. Identifiers: Orphanet 618, MedGen C3554574, MONDO:0014056, OMIM 615134.
Aplastic anemia. Identifiers: Orphanet 182040, Orphanet 88, MedGen C0002874, MONDO:0015909, OMIM 609135, HP:0001915.
Interstitial lung disease 2 (ILD2). Also called: Familial idiopathic pulmonary fibrosis; FIBROCYSTIC PULMONARY DYSPLASIA; FIBROSING ALVEOLITIS, CRYPTOGENIC. Identifiers: Orphanet 2032, Orphanet 79126, MedGen C5561926, MONDO:0800497, OMIM 178500, MONDO:0800029.
Dyskeratosis congenita, autosomal dominant 1 (DKCA1). Also called: Dyskeratosis congenita Scoggins type. Identifiers: Orphanet 1775, MedGen C4551974, MONDO:0007485, OMIM 127550. Inheritance: Variable.
Dyskeratosis congenita. Identifiers: Orphanet 1775, MedGen C0265965, MONDO:0015780.

Allele frequency attached by ClinVar (database versions not stated): gnomAD 0.00001; TOPMed 0.00001; gnomAD exomes 0.00004; ExAC 0.00007.
gnomAD v4.1: 15 of 1,574,112 alleles (0.00095%); highest among the groups gnomAD compares: Admixed American, 0.02%; no homozygotes.

Submissions (3):

Labcorp Genetics (formerly Invitae), Labcorp
Classification: Likely benign for Dyskeratosis congenita, autosomal dominant 2; Idiopathic Pulmonary Fibrosis. Last evaluated: 2026-01-15. Review status: criteria provided, single submitter. Criteria: Invitae Variant Classification Sherloc (09022015). Collection method: clinical testing. Allele origin: germline.

Ambry Genetics
Classification: Uncertain significance for Dyskeratosis congenita. Last evaluated: 2024-07-30. Review status: criteria provided, single submitter. Criteria: Ambry Variant Classification Scheme 2023. Collection method: clinical testing. Allele origin: germline.
Comment: The p.V299M variant (also known as c.895G>A), located in coding exon 2 of the TERT gene, results from a G to A substitution at nucleotide position 895. The valine at codon 299 is replaced by methionine, an amino acid with highly similar properties. This variant was reported as heterozygous in multiple individuals with features consistent with TERT-related disorder (Calado RT et al. Proc Natl Acad Sci U S A, 2009 Jan;106:1187-92; Mirabello L et al. JAMA Oncol, 2020 May;6:724-734). Functional studies suggest that the variant has no major effect on telomerase activity; however, additional evidence is needed to confirm these findings (Calado RT et al. Proc Natl Acad Sci U S A, 2009 Jan;106:1187-92; Zaug AJ et al. Nucleic Acids Res, 2013 Oct;41:8969-78). This amino acid position is poorly conserved in available vertebrate species. In addition, this alteration is predicted to be tolerated by in silico analysis. Based on the available evidence, the clinical significance of this variant remains unclear.

Fulgent Genetics
Classification: Uncertain significance for Dyskeratosis congenita, autosomal dominant 1; Interstitial lung disease 2; Acute myeloid leukemia; Aplastic anemia; Dyskeratosis congenita, autosomal dominant 2; Pulmonary fibrosis and/or bone marrow failure, Telomere-related, 1; Melanoma, cutaneous malignant, susceptibility to, 9. Last evaluated: 2021-08-12. Review status: criteria provided, single submitter. Criteria: ACMG Guidelines, 2015. Collection method: clinical testing. Allele origin: unknown.

Literature cited by the submitters: PubMed 19147845 (cited by Ambry Genetics); PubMed 19760749 (cited by Ambry Genetics); PubMed 23901009 (cited by Ambry Genetics); PubMed 32191290 (cited by Ambry Genetics).

NM_198253.3(TERT):c.895G>A (p.Val299Met)

Gene: TERT (telomerase reverse transcriptase; minus strand). Cytogenetic location: 5p15.33.
Variant type: single nucleotide variant.
Coding change: c.895G>A on transcript NM_198253.3 (MANE Select); coding-DNA position 895, G replaced by A.
Protein change: p.Val299Met; replaces valine 299 with methionine.
Molecular consequence: missense variant. On other transcripts: non-coding transcript variant (2).
Genome position (GRCh38, 1-based): chr5:1,293,991, C>T on the plus strand (G>A on the coding strand, the complement: TERT is on the minus strand). VCF-style: chr5-1293991-C-T. GRCh37 (hg19) VCF-style: chr5-1294106-C-T.
Other names: c.895G>A, p.Val299Met (NM_001193376.3); short protein forms V299M.
Identifiers: ClinVar variation 639956 (VCV000639956.9), dbSNP rs756624928, ClinGen allele CA3184894.